The following is an entry in ClinVar:

ClinVar aggregate classification (germline): Uncertain significance (1 of 4 stars; one submission).

gnomAD v4.1: 53 of 1,612,960 alleles (0.0033%); highest among the groups gnomAD compares: Middle Eastern, 0.037%; no homozygotes.

Submission:

GeneDx
Classification: Uncertain significance. Last evaluated: 2020-01-16. Review status: criteria provided, single submitter. Criteria: GeneDx Variant Classification Process June 2021. Collection method: clinical testing. Allele origin: germline. Affected: yes.
Comment: In silico analysis, which includes protein predictors and evolutionary conservation, supports that this variant does not alter protein structure/function; Has not been previously published as pathogenic or benign to our knowledge

NM_004667.6(HERC2):c.5392G>A (p.Gly1798Ser)

Gene: HERC2 (HECT and RLD domain containing E3 ubiquitin protein ligase 2; minus strand). Cytogenetic location: 15q13.1.
Variant type: single nucleotide variant.
Coding change: c.5392G>A on transcript NM_004667.6 (MANE Select); coding-DNA position 5392, G replaced by A.
Protein change: p.Gly1798Ser; replaces glycine 1798 with serine.
Molecular consequence: missense variant.
Genome position (GRCh38, 1-based): chr15:28,228,290, C>T on the plus strand (G>A on the coding strand, the complement: HERC2 is on the minus strand). VCF-style: chr15-28228290-C-T. GRCh37 (hg19) VCF-style: chr15-28473436-C-T.
Other names: short protein forms G1798S.
Identifiers: ClinVar variation 1316662 (VCV001316662.2), dbSNP rs200181265, ClinGen allele CA7442367.
Genomic context (GRCh38, chr15:28,228,290, plus strand): 5'-GTGCCGTCTGCGTGAGGGCCAGCATGCCGGAATTGAGCAGAAGGTCGAGGTTGTTTGCGC[C>T]GTGCTGCAGGGTGAGCATGCTGAGCATCACCAGGAGGAAGCGGGCTTGCGGGATGGTCCC-3'
Protein context (NP_004658.3, residues 1788-1808): VMLSMLTLQH[Gly1798Ser]ANNLDLLLNS